The following is an entry in ClinVar:

NM_006922.4(SCN3A):c.3377T>C (p.Leu1126Pro)

Gene: SCN3A (sodium voltage-gated channel alpha subunit 3; minus strand). Cytogenetic location: 2q24.3.
Variant type: single nucleotide variant.
Coding change: c.3377T>C on transcript NM_006922.4 (MANE Select); coding-DNA position 3377, T replaced by C.
Protein change: p.Leu1126Pro; replaces leucine 1126 with proline.
Molecular consequence: missense variant.
Genome position (GRCh38, 1-based): chr2:165,127,647, A>G on the plus strand (T>C on the coding strand, the complement: SCN3A is on the minus strand). VCF-style: chr2-165127647-A-G. GRCh37 (hg19) VCF-style: chr2-165984157-A-G.
Other names: c.3230T>C, p.Leu1077Pro (NM_001081676.2, NM_001081677.2); short protein forms L1077P, L1126P.
Identifiers: ClinVar variation 1723069 (VCV001723069.7), dbSNP rs1321949677, ClinGen allele CA349039784.

ClinVar aggregate classification (germline): Uncertain significance. Review status: criteria provided, multiple submitters, no conflicts (2 of 4 stars). 2 submissions from 2 submitters: Uncertain significance (2). Last evaluated 2022-10-05.

Allele frequency attached by ClinVar (database versions not stated): gnomAD exomes below 0.00001.
gnomAD v4.1: 2 of 1,613,818 alleles (0.00012%); highest among the groups gnomAD compares: Admixed American, 0.0033%; no homozygotes.

Submissions (2):

Labcorp Genetics (formerly Invitae), Labcorp
Classification: Uncertain significance. Last evaluated: 2022-10-05. Review status: criteria provided, single submitter. Criteria: Invitae Variant Classification Sherloc (09022015). Collection method: clinical testing. Allele origin: germline.
Comment: In summary, the available evidence is currently insufficient to determine the role of this variant in disease. Therefore, it has been classified as a Variant of Uncertain Significance. Advanced modeling of protein sequence and biophysical properties (such as structural, functional, and spatial information, amino acid conservation, physicochemical variation, residue mobility, and thermodynamic stability) performed at Invitae indicates that this missense variant is not expected to disrupt SCN3A protein function. This variant has not been reported in the literature in individuals affected with SCN3A-related conditions. This variant is present in population databases (no rsID available, gnomAD 0.003%). This sequence change replaces leucine, which is neutral and non-polar, with proline, which is neutral and non-polar, at codon 1126 of the SCN3A protein (p.Leu1126Pro).

GeneDx
Classification: Uncertain significance. Last evaluated: 2022-05-03. Review status: criteria provided, single submitter. Criteria: GeneDx Variant Classification Process June 2021. Collection method: clinical testing. Allele origin: germline. Affected: yes.
Comment: Not observed at significant frequency in large population cohorts (gnomAD); In silico analysis supports that this missense variant does not alter protein structure/function; Has not been previously published as pathogenic or benign to our knowledge